The following is an entry in ClinVar:

ClinVar aggregate classification (germline): Uncertain significance. Review status: criteria provided, multiple submitters, no conflicts (2 of 4 stars). 2 submissions from 2 submitters: Uncertain significance (2). Last evaluated 2025-08-15.

Conditions:
Inborn genetic diseases. Identifiers: MedGen C0950123, MeSH D030342.

Allele frequency attached by ClinVar (database versions not stated): ExAC 0.00014; gnomAD 0.00044; TOPMed 0.00045; 1000 Genomes Project 30x 0.00047; 1000 Genomes Project 0.00060; ESP Exome Variant Server 0.00062.
gnomAD v4.1: 130 of 1,614,038 alleles (0.0081%); highest among the groups gnomAD compares: African/African-American, 0.15%; 1 homozygote.

Submissions (2):

Ambry Genetics
Classification: Uncertain significance for Inborn genetic diseases. Last evaluated: 2025-08-15. Review status: criteria provided, single submitter. Criteria: Ambry Variant Classification Scheme 2023. Collection method: clinical testing. Allele origin: germline.

CeGaT Center for Human Genetics Tuebingen
Classification: Uncertain significance. Last evaluated: 2025-06-01. Review status: criteria provided, single submitter. Criteria: CeGaT Center For Human Genetics Tuebingen Variant Classification Criteria Version 2. Collection method: clinical testing. Allele origin: germline. Affected: yes. Observed: 1 variant allele.
Comment: TG: PM2, BP4

NM_003235.5(TG):c.2983C>T (p.Arg995Cys)

Gene: TG (thyroglobulin; plus strand). Cytogenetic location: 8q24.22.
Variant type: single nucleotide variant.
Coding change: c.2983C>T on transcript NM_003235.5 (MANE Select); coding-DNA position 2983, C replaced by T.
Protein change: p.Arg995Cys; replaces arginine 995 with cysteine.
Molecular consequence: missense variant.
Genome position (GRCh38, 1-based): chr8:132,893,911, C>T. VCF-style: chr8-132893911-C-T. GRCh37 (hg19) VCF-style: chr8-133906156-C-T.
Other names: short protein forms R995C.
Identifiers: ClinVar variation 2359949 (VCV002359949.13), dbSNP rs114091109, ClinGen allele CA4883557.